The following is an entry in ClinVar:

ClinVar aggregate classification (germline): Conflicting classifications of pathogenicity. Review status: criteria provided, conflicting classifications (1 of 4 stars). 10 submissions from 10 submitters: Uncertain significance (1); Benign (2); Likely benign (4). 3 of the submissions do not count toward it. Last evaluated 2026-01-14.

Conditions:
Achromatopsia 2 (ACHM2). Also called: COLORBLINDNESS, TOTAL; ROD MONOCHROMACY 2; ROD MONOCHROMATISM 2. Identifiers: Orphanet 49382, MedGen C1857618, MONDO:0009003, OMIM 216900.

Allele frequency attached by ClinVar (database versions not stated): 1000 Genomes Project 30x 0.00047; 1000 Genomes Project 0.00060; TOPMed 0.00130; ESP Exome Variant Server 0.00138; gnomAD 0.00139 and 0.00147; gnomAD exomes 0.00145; ExAC 0.00212.
gnomAD v4.1: 3,260 of 1,611,346 alleles (0.2%); highest among the groups gnomAD compares: Non-Finnish European, 0.24%; 3 homozygotes.

Submissions (10):

Labcorp Genetics (formerly Invitae), Labcorp
Classification: Benign. Last evaluated: 2026-01-14. Review status: criteria provided, single submitter. Criteria: Invitae Variant Classification Sherloc (09022015). Collection method: clinical testing. Allele origin: germline.

CeGaT Center for Human Genetics Tuebingen
Classification: Likely benign. Last evaluated: 2025-08-01. Review status: criteria provided, single submitter. Criteria: CeGaT Center For Human Genetics Tuebingen Variant Classification Criteria Version 2. Collection method: clinical testing. Allele origin: germline. Affected: yes. Observed: 5 variant alleles.
Comment: CNGA3: BP4, BP7

Blueprint Genetics
Classification: Likely benign. Last evaluated: 2024-11-13. Review status: criteria provided, single submitter. Criteria: ACMG Guidelines, 2015. Collection method: clinical testing. Allele origin: germline.

GeneDx
Classification: Likely benign. Last evaluated: 2021-05-07. Review status: criteria provided, single submitter. Criteria: GeneDx Variant Classification Process June 2021. Collection method: clinical testing. Allele origin: germline. Affected: yes.

Illumina Laboratory Services, Illumina
Classification: Uncertain significance for Achromatopsia 2. Last evaluated: 2018-01-12. Review status: criteria provided, single submitter. Criteria: ICSL Variant Classification Criteria 13 December 2019. Collection method: clinical testing. Allele origin: germline.

Eurofins Ntd Llc (ga)
Classification: Benign. Last evaluated: 2015-10-15. Review status: criteria provided, single submitter. Criteria: EGL Classification Definitions 2015. Collection method: clinical testing. Allele origin: germline. Observed: 1 variant allele, 1 heterozygote.

PreventionGenetics, part of Exact Sciences
Classification: Likely benign. Review status: criteria provided, single submitter. Criteria: ACMG Guidelines, 2015. Collection method: clinical testing. Allele origin: germline.

Molecular Genetics Laboratory, Institute for Ophthalmic Research
Classification: Likely benign for Achromatopsia 2. Last evaluated: 2021-04-15. Review status: no assertion criteria provided. Collection method: research. Allele origin: germline. Affected: yes. Not counted in ClinVar's aggregate classification.

Clinical Genetics DNA and cytogenetics Diagnostics Lab, Erasmus MC, Erasmus Medical Center
Classification: Likely benign. Review status: no assertion criteria provided. Collection method: clinical testing. Allele origin: germline. Affected: yes. Study: VKGL Data-share Consensus. Not counted in ClinVar's aggregate classification.

Clinical Genetics, Academic Medical Center
Classification: Likely benign. Review status: no assertion criteria provided. Collection method: clinical testing. Allele origin: germline. Affected: yes. Study: VKGL Data-share Consensus. Not counted in ClinVar's aggregate classification.

NM_001298.3(CNGA3):c.198C>T (p.Thr66=)

Gene: CNGA3 (cyclic nucleotide gated channel subunit alpha 3; plus strand). Cytogenetic location: 2q11.2.
Variant type: single nucleotide variant.
Coding change: c.198C>T on transcript NM_001298.3 (MANE Select); coding-DNA position 198, C replaced by T.
Protein change: p.Thr66=; no amino-acid change (threonine 66 retained).
Molecular consequence: synonymous variant.
Genome position (GRCh38, 1-based): chr2:98,377,783, C>T. VCF-style: chr2-98377783-C-T. GRCh37 (hg19) VCF-style: chr2-98994246-C-T.
Other names: c.198C>T, p.Thr66= (NM_001079878.2).
Identifiers: ClinVar variation 257962 (VCV000257962.61), dbSNP rs139544302, ClinGen allele CA1793607.
Genomic context (GRCh38, chr2:98,377,783, plus strand): 5'-GCAGCCGGGGATCGCCATGGAGACCAGAGGACTGGCTGACTCCGGGCAGGGCTCCTTCAC[C>T]GGCCAGGGGATCGCCAGGTAACTGACCAGCCTCAGTCCCTACCTTGGCCTGGGGGACACT-3'
Protein context (NP_001289.1, residues 56-76): GLADSGQGSF[Thr66=]GQGIARLSRL